The following is an entry in ClinVar:

ClinVar aggregate classification (germline): Likely benign. Review status: criteria provided, multiple submitters, no conflicts (2 of 4 stars). 3 submissions from 3 submitters: Likely benign (2). 1 of the submissions does not count toward it. Last evaluated 2025-09-16.

Conditions:
MUSK-related disorder. Also called: MUSK-related condition; MUSK-related disorders.
Fetal akinesia deformation sequence 1 (FADS1). Also called: Pena-Shokeir syndrome type I; Fetal akinesia sequence. Identifiers: Orphanet 994, MedGen C1276035, MONDO:0100101, OMIM 208150, HP:0001989.
Congenital myasthenic syndrome 9. Also called: Myasthenic syndrome, congenital, 9, associated with acetylcholine receptor deficiency. Identifiers: Orphanet 590, MedGen C4225368, MONDO:0014587, OMIM 616325.

Allele frequency attached by ClinVar (database versions not stated): TOPMed 0.00002.
gnomAD v4.1: 15 of 1,613,416 alleles (0.00093%); highest among the groups gnomAD compares: Admixed American, 0.005%; no homozygotes.

Submissions (3):

Labcorp Genetics (formerly Invitae), Labcorp
Classification: Likely benign for Congenital myasthenic syndrome 9; Fetal akinesia deformation sequence 1. Last evaluated: 2025-09-16. Review status: criteria provided, single submitter. Criteria: Invitae Variant Classification Sherloc (09022015). Collection method: clinical testing. Allele origin: germline.

CeGaT Center for Human Genetics Tuebingen
Classification: Likely benign. Last evaluated: 2019-12-01. Review status: criteria provided, single submitter. Criteria: CeGaT Center For Human Genetics Tuebingen Variant Classification Criteria Version 2. Collection method: clinical testing. Allele origin: germline. Affected: yes. Observed: 1 variant allele.

PreventionGenetics, part of Exact Sciences
Classification: Likely benign for MUSK-related condition. Last evaluated: 2020-08-06. Review status: no assertion criteria provided. Collection method: clinical testing. Allele origin: germline. Not counted in ClinVar's aggregate classification.
Comment: This variant is classified as likely benign based on ACMG/AMP sequence variant interpretation guidelines (Richards et al. 2015 PMID: 25741868, with internal and published modifications).

NM_005592.4(MUSK):c.12C>T (p.Leu4=)

Gene: MUSK (muscle associated receptor tyrosine kinase; plus strand). Cytogenetic location: 9q31.3.
Variant type: single nucleotide variant.
Coding change: c.12C>T on transcript NM_005592.4 (MANE Select); coding-DNA position 12, C replaced by T.
Protein change: p.Leu4=; no amino-acid change (leucine 4 retained).
Molecular consequence: synonymous variant.
Genome position (GRCh38, 1-based): chr9:110,668,916, C>T. VCF-style: chr9-110668916-C-T. GRCh37 (hg19) VCF-style: chr9-113431196-C-T.
Other names: c.12C>T, p.Leu4= (NM_001166280.2, NM_001166281.2).
Identifiers: ClinVar variation 476131 (VCV000476131.52), dbSNP rs374456998, ClinGen allele CA198329637.